The following is an entry in ClinVar:

ClinVar aggregate classification (germline): Uncertain significance. Review status: criteria provided, multiple submitters, no conflicts (2 of 4 stars). 2 submissions from 2 submitters: Uncertain significance (2). Last evaluated 2025-03-05.

Conditions:
Long QT syndrome (LQTS). Identifiers: MedGen C0023976, MeSH D008133, MONDO:0002442. Disease mechanism: loss of function. Inheritance: Various modes of inheritance.
Cardiovascular phenotype. Identifiers: MedGen CN230736.

gnomAD v4.1: 5 of 1,614,034 alleles (0.00031%); highest among the groups gnomAD compares: Non-Finnish European, 0.00042%; no homozygotes.

Submissions (2):

Labcorp Genetics (formerly Invitae), Labcorp
Classification: Uncertain significance for Long QT syndrome. Last evaluated: 2025-03-05. Review status: criteria provided, single submitter. Criteria: Invitae Variant Classification Sherloc (09022015). Collection method: clinical testing. Allele origin: germline.
Comment: This sequence change replaces asparagine, which is neutral and polar, with serine, which is neutral and polar, at codon 2344 of the AKAP9 protein (p.Asn2344Ser). This variant is not present in population databases (gnomAD no frequency). This variant has not been reported in the literature in individuals affected with AKAP9-related conditions. ClinVar contains an entry for this variant (Variation ID: 1509588). An algorithm developed to predict the effect of missense changes on protein structure and function outputs the following: PolyPhen-2: "Benign". The serine amino acid residue is found in multiple mammalian species, which suggests that this missense change does not adversely affect protein function. In summary, the available evidence is currently insufficient to determine the role of this variant in disease. Therefore, it has been classified as a Variant of Uncertain Significance.

Ambry Genetics
Classification: Uncertain significance for Cardiovascular phenotype. Last evaluated: 2019-05-31. Review status: criteria provided, single submitter. Criteria: Ambry Variant Classification Scheme 2023. Collection method: clinical testing. Allele origin: germline.
Comment: The p.N2344S variant (also known as c.7031A>G), located in coding exon 31 of the AKAP9 gene, results from an A to G substitution at nucleotide position 7031. The asparagine at codon 2344 is replaced by serine, an amino acid with highly similar properties. This amino acid position is not well conserved in available vertebrate species, and serine is the reference amino acid in other vertebrate species. In addition, this alteration is predicted to be tolerated by in silico analysis. Since supporting evidence is limited at this time, the clinical significance of this alteration remains unclear.

NM_005751.5(AKAP9):c.7031A>G (p.Asn2344Ser)

Gene: AKAP9 (A-kinase anchoring protein 9; plus strand). Cytogenetic location: 7q21.2.
Variant type: single nucleotide variant.
Coding change: c.7031A>G on transcript NM_005751.5 (MANE Select); coding-DNA position 7031, A replaced by G.
Protein change: p.Asn2344Ser; replaces asparagine 2344 with serine.
Molecular consequence: missense variant.
Genome position (GRCh38, 1-based): chr7:92,079,164, A>G. VCF-style: chr7-92079164-A-G. GRCh37 (hg19) VCF-style: chr7-91708478-A-G.
Other names: c.1676A>G, p.Asn559Ser (NM_001379277.1); c.7007A>G, p.Asn2336Ser (NM_147185.3); short protein forms N2344S, N2336S, N559S.
Identifiers: ClinVar variation 1509588 (VCV001509588.8), dbSNP rs2130860716, ClinGen allele CA368134811.